The following is an entry in ClinVar:

ClinVar aggregate classification (germline): Uncertain significance (1 of 4 stars; one submission).

Conditions:
Emery-Dreifuss muscular dystrophy 5, autosomal dominant (EDMD5). Also called: EMERY-DREIFUSS MUSCULAR DYSTROPHY 5. Identifiers: Orphanet 261, MedGen C2751805, MONDO:0013072, OMIM 612999.

gnomAD v4.1: 12 of 1,614,168 alleles (0.00074%); highest among the groups gnomAD compares: Admixed American, 0.017%; no homozygotes.

Submission:

Labcorp Genetics (formerly Invitae), Labcorp
Classification: Uncertain significance for Emery-Dreifuss muscular dystrophy 5, autosomal dominant. Last evaluated: 2025-02-03. Review status: criteria provided, single submitter. Criteria: Invitae Variant Classification Sherloc (09022015). Collection method: clinical testing. Allele origin: germline.
Comment: This sequence change replaces alanine, which is neutral and non-polar, with valine, which is neutral and non-polar, at codon 6717 of the SYNE2 protein (p.Ala6717Val). This variant is present in population databases (rs747426260, gnomAD 0.02%). This variant has not been reported in the literature in individuals affected with SYNE2-related conditions. An algorithm developed to predict the effect of missense changes on protein structure and function (PolyPhen-2) suggests that this variant is likely to be disruptive. In summary, the available evidence is currently insufficient to determine the role of this variant in disease. Therefore, it has been classified as a Variant of Uncertain Significance.

NM_182914.3(SYNE2):c.20150C>T (p.Ala6717Val)

Gene: SYNE2 (spectrin repeat containing nuclear envelope protein 2; plus strand). Cytogenetic location: 14q23.2.
Variant type: single nucleotide variant.
Coding change: c.20150C>T on transcript NM_182914.3 (MANE Select); coding-DNA position 20150, C replaced by T.
Protein change: p.Ala6717Val; replaces alanine 6717 with valine.
Molecular consequence: missense variant.
Genome position (GRCh38, 1-based): chr14:64,221,664, C>T. VCF-style: chr14-64221664-C-T. GRCh37 (hg19) VCF-style: chr14-64688382-C-T.
Other names: c.20081C>T, p.Ala6694Val (NM_015180.6); c.716C>T, p.Ala239Val (NM_182910.2); c.1094C>T, p.Ala365Val (NM_182913.4); short protein forms A365V, A6694V, A6717V, A239V.
Identifiers: ClinVar variation 3704804 (VCV003704804.2).